The following is an entry in ClinVar:

ClinVar aggregate classification (germline): Uncertain significance (1 of 4 stars; one submission).

Conditions:
Epidermolysis bullosa simplex with nail dystrophy (EBS5D). Identifiers: MedGen C4225309, MONDO:0014661, OMIM 616487.
Epidermolysis bullosa simplex, Ogna type (EBS5A). Also called: Pidermolysis bullosa simplex 5A, Ogna type; EPIDERMOLYSIS BULLOSA SIMPLEX 5A, OGNA TYPE. Identifiers: Orphanet 79401, MedGen C0432317, MONDO:0007555, OMIM 131950.
Autosomal recessive limb-girdle muscular dystrophy type 2Q (LGMDR17). Also called: MUSCULAR DYSTROPHY, LIMB-GIRDLE, AUTOSOMAL RECESSIVE 17. Identifiers: Orphanet 254361, MedGen C3150989, MONDO:0013390, OMIM 613723.
Epidermolysis bullosa simplex 5B, with muscular dystrophy (EBS5B). Also called: EPIDERMOLYSIS BULLOSA SIMPLEX AND LIMB-GIRDLE MUSCULAR DYSTROPHY; Epidermolysis bullosa simplex with muscular dystrophy. Identifiers: Orphanet 257, MedGen C2931072, MONDO:0009181, OMIM 226670.
Epidermolysis bullosa simplex 5C, with pyloric atresia (EBS5C). Also called: PLEC-Related Epidermolysis Bullosa with Pyloric Atresia; Epidermolysis bullosa simplex with pyloric atresia; PLEC1-Related Epidermolysis Bullosa with Pyloric Atresia. Identifiers: Orphanet 158684, MedGen C2677349, MONDO:0012807, OMIM 612138.

Submission:

Labcorp Genetics (formerly Invitae), Labcorp
Classification: Uncertain significance for Autosomal recessive limb-girdle muscular dystrophy type 2Q; Epidermolysis bullosa simplex, Ogna type; Epidermolysis bullosa simplex with nail dystrophy; Epidermolysis bullosa simplex 5C, with pyloric atresia; Epidermolysis bullosa simplex 5B, with muscular dystrophy. Last evaluated: 2023-07-16. Review status: criteria provided, single submitter. Criteria: Invitae Variant Classification Sherloc (09022015). Collection method: clinical testing. Allele origin: germline.
Comment: In summary, the available evidence is currently insufficient to determine the role of this variant in disease. Therefore, it has been classified as a Variant of Uncertain Significance. Advanced modeling of protein sequence and biophysical properties (such as structural, functional, and spatial information, amino acid conservation, physicochemical variation, residue mobility, and thermodynamic stability) performed at Invitae indicates that this missense variant is not expected to disrupt PLEC protein function. This variant has not been reported in the literature in individuals affected with PLEC-related conditions. This variant is not present in population databases (gnomAD no frequency). This sequence change replaces glycine, which is neutral and non-polar, with aspartic acid, which is acidic and polar, at codon 4066 of the PLEC protein (p.Gly4066Asp).

NM_201384.3(PLEC):c.12116G>A (p.Gly4039Asp)

Gene: PLEC (plectin; minus strand). Cytogenetic location: 8q24.3.
Variant type: single nucleotide variant.
Coding change: c.12116G>A on transcript NM_201384.3 (MANE Select); coding-DNA position 12116, G replaced by A.
Protein change: p.Gly4039Asp; replaces glycine 4039 with aspartic acid.
Molecular consequence: missense variant.
Genome position (GRCh38, 1-based): chr8:143,917,705, C>T on the plus strand (G>A on the coding strand, the complement: PLEC is on the minus strand). VCF-style: chr8-143917705-C-T. GRCh37 (hg19) VCF-style: chr8-144991873-C-T.
Other names: c.12197G>A, p.Gly4066Asp (NM_000445.5); c.8816G>A, p.Gly2939Asp (NM_001410941.1); c.12074G>A, p.Gly4025Asp (NM_201378.4); c.12050G>A, p.Gly4017Asp (NM_201379.3); c.12527G>A, p.Gly4176Asp (NM_201380.4); c.12020G>A, p.Gly4007Asp (NM_201381.3); c.12116G>A, p.Gly4039Asp (NM_201382.4); c.12128G>A, p.Gly4043Asp (NM_201383.3); short protein forms G4017D, G4039D, G2939D, G4007D, G4025D, G4043D, G4066D, G4176D.
Identifiers: ClinVar variation 2949915 (VCV002949915.3), dbSNP rs2539248186, ClinGen allele CA372485901.